The following is an entry in ClinVar:

NM_001009944.3(PKD1):c.9225C>A (p.Tyr3075Ter)

Gene: PKD1 (polycystin 1, transient receptor potential channel interacting; minus strand). Cytogenetic location: 16p13.3.
Variant type: single nucleotide variant.
Coding change: c.9225C>A on transcript NM_001009944.3 (MANE Select); coding-DNA position 9225, C replaced by A.
Protein change: p.Tyr3075Ter; replaces tyrosine 3075 with a stop codon.
Molecular consequence: nonsense.
Genome position (GRCh38, 1-based): chr16:2,102,233, G>T on the plus strand (C>A on the coding strand, the complement: PKD1 is on the minus strand). VCF-style: chr16-2102233-G-T. GRCh37 (hg19) VCF-style: chr16-2152234-G-T.
Other names: c.9225C>A, p.Tyr3075Ter (NM_000296.4); short protein forms Y3075*.
Identifiers: ClinVar variation 3902593 (VCV003902593.1).

ClinVar aggregate classification (germline): Pathogenic (1 of 4 stars; one submission).

Conditions:
Polycystic kidney disease, adult type (PKD1). Also called: Polycystic Kidney Disease 1, Autosomal Dominant; Polycystic kidney disease 1; Polycystic kidney disease 1, severe; Polycystic Kidney, Autosomal Dominant; POLYCYSTIC KIDNEY DISEASE 1 WITH OR WITHOUT POLYCYSTIC LIVER DISEASE; POLYCYSTIC KIDNEY DISEASE, ADULT, TYPE I. Identifiers: MedGen C3149841, MONDO:0008263, OMIM 173900.

Submission:

Women's Health and Genetics/Laboratory Corporation of America, LabCorp
Classification: Pathogenic for Polycystic kidney disease, adult type. Last evaluated: 2025-05-01. Review status: criteria provided, single submitter. Criteria: LabCorp Variant Classification Summary - May 2015. Collection method: clinical testing. Allele origin: germline.
Comment: Variant summary: PKD1 c.9225C>A (p.Tyr3075X) results in a premature termination codon, predicted to cause a truncation of the encoded protein or absence of the protein due to nonsense mediated decay, which are commonly known mechanisms for disease. The variant was absent in 143286 control chromosomes. c.9225C>A has been observed in individual(s) affected with Polycystic Kidney Disease 1 (e.g. Topak_2024). To our knowledge, no experimental evidence demonstrating an impact on protein function has been reported. The following publication has been ascertained in the context of this evaluation (PMID: 37078890). No submitters have cited clinical-significance assessments for this variant to ClinVar. Based on the evidence outlined above, the variant was classified as pathogenic.

Literature cited by the submitters: PubMed 37078890.